The following is an entry in ClinVar:

NM_001365536.1(SCN9A):c.3013A>G (p.Thr1005Ala)

Genes: SCN1A-AS1 (SCN1A and SCN9A antisense RNA 1; plus strand), SCN9A (sodium voltage-gated channel alpha subunit 9; minus strand). Cytogenetic location: 2q24.3.
Variant type: single nucleotide variant.
Coding change: c.3013A>G on transcript NM_001365536.1 (MANE Select); coding-DNA position 3013, A replaced by G.
Protein change: p.Thr1005Ala; replaces threonine 1005 with alanine.
Molecular consequence: missense variant.
Genome position (GRCh38, 1-based): chr2:166,272,737, T>C on the plus strand (A>G on the coding strand, the complement: SCN9A is on the minus strand). VCF-style: chr2-166272737-T-C. GRCh37 (hg19) VCF-style: chr2-167129247-T-C.
Other names: c.2980A>G, p.Thr994Ala (NM_002977.4); short protein forms T994A, T1005A.
Identifiers: ClinVar variation 2950033 (VCV002950033.4), dbSNP rs1439744324, ClinGen allele CA349074470.
Genomic context (GRCh38, chr2:166,272,737, plus strand): 5'-TTATCTCCCTGGAAATCTTTGGCTTTTTGGAAAATGCTTTTAGAATAAATTCACGTAAGG[T>C]TTGTTTCACATAATTTATTCCCTTTTTAATTCTAGTCACTGCAATCTGGAGGTTGTTTGC-3'
Protein context (NP_001352465.1, residues 995-1015): IKKGINYVKQ[Thr1005Ala]LREFILKAFS

ClinVar aggregate classification (germline): Uncertain significance. Review status: criteria provided, multiple submitters, no conflicts (2 of 4 stars). 2 submissions from 2 submitters: Uncertain significance (2). Last evaluated 2024-02-23.

Conditions:
Generalized epilepsy with febrile seizures plus, type 7 (GEFSP7). Also called: GEFS+, TYPE 7. Identifiers: Orphanet 36387, MedGen C2751778, MONDO:0013470, OMIM 613863.
Neuropathy, hereditary sensory and autonomic, type 2A (HSAN2A). Also called: ACROOSTEOLYSIS, GIACCAI TYPE; ACROOSTEOLYSIS, NEUROGENIC; WNK1-Related HSAN2 (HSAN2A); MORVAN DISEASE; NEUROPATHY, CONGENITAL SENSORY; NEUROPATHY, HEREDITARY SENSORY RADICULAR, AUTOSOMAL RECESSIVE. Identifiers: Orphanet 970, MedGen C2752089, MONDO:0024309, OMIM 201300.

Submissions (2):

Labcorp Genetics (formerly Invitae), Labcorp
Classification: Uncertain significance for Neuropathy, hereditary sensory and autonomic, type 2A; Generalized epilepsy with febrile seizures plus, type 7. Last evaluated: 2024-02-23. Review status: criteria provided, single submitter. Criteria: Invitae Variant Classification Sherloc (09022015). Collection method: clinical testing. Allele origin: germline.
Comment: This sequence change replaces threonine, which is neutral and polar, with alanine, which is neutral and non-polar, at codon 994 of the SCN9A protein (p.Thr994Ala). This variant is not present in population databases (gnomAD no frequency). This variant has not been reported in the literature in individuals affected with SCN9A-related conditions. Advanced modeling of protein sequence and biophysical properties (such as structural, functional, and spatial information, amino acid conservation, physicochemical variation, residue mobility, and thermodynamic stability) performed at Invitae indicates that this missense variant is not expected to disrupt SCN9A protein function with a negative predictive value of 95%. In summary, the available evidence is currently insufficient to determine the role of this variant in disease. Therefore, it has been classified as a Variant of Uncertain Significance.

Blueprint Genetics
Classification: Uncertain significance. Last evaluated: 2023-10-11. Review status: criteria provided, single submitter. Criteria: ACMG Guidelines, 2015. Collection method: clinical testing. Allele origin: germline.